The following is an entry in ClinVar:

ClinVar aggregate classification (germline): Pathogenic. Review status: criteria provided, multiple submitters, no conflicts (2 of 4 stars). 4 submissions from 4 submitters: Pathogenic (3). 1 of the submissions does not count toward it. Last evaluated 2026-04-14.

Conditions:
ABCB4-related disorder. Also called: ABCB4-related disorders; ABCB4-related condition.
Low phospholipid associated cholelithiasis (GBD1). Also called: Gallbladder disease 1; Gallstone cholecystitis. Identifiers: Orphanet 69663, MedGen C2609268, MONDO:0010939, OMIM 600803.
Cholestasis, intrahepatic, of pregnancy, 3. Identifiers: Orphanet 69665, MedGen C3554241, MONDO:0013995, OMIM 614972.

Submissions (4):

Genomenon, Inc
Classification: Pathogenic for Low phospholipid associated cholelithiasis. Last evaluated: 2026-04-14. Review status: criteria provided, single submitter. Criteria: Genomenon Sequence Variant Interpretation Standards - Updated. Collection method: curation. Allele origin: germline. Affected: yes.
Comment: ABCB4 p.Gln458ArgfsTer8 (c.1371del) is a frameshift variant that results in the production of a truncated protein which is predicted to undergo nonsense-mediated mRNA decay. This variant has been observed in at least one proband with an ABCB4-related disorder (PMID:24914347). The variant was found to segregate with disease in at least one affected family (PMID:24914347). It is absent or not present at a significant frequency in gnomAD. In conclusion, we classify ABCB4 p.Gln458ArgfsTer8 (c.1371del) as a pathogenic variant.

Genomic Medicine Center of Excellence, King Faisal Specialist Hospital and Research Centre
Classification: Pathogenic for Cholestasis, intrahepatic, of pregnancy, 3. Last evaluated: 2025-09-10. Review status: criteria provided, single submitter. Criteria: ACMG Guidelines, 2015. Collection method: clinical testing. Allele origin: germline.

Labcorp Genetics (formerly Invitae), Labcorp
Classification: Pathogenic. Last evaluated: 2024-12-22. Review status: criteria provided, single submitter. Criteria: Invitae Variant Classification Sherloc (09022015). Collection method: clinical testing. Allele origin: germline.
Comment: This sequence change creates a premature translational stop signal (p.Gln458Argfs*8) in the ABCB4 gene. It is expected to result in an absent or disrupted protein product. Loss-of-function variants in ABCB4 are known to be pathogenic (PMID: 17726488, 25755532). This variant is not present in population databases (gnomAD no frequency). This premature translational stop signal has been observed in individual(s) with ABCB4-related conditions (PMID: 24914347). ClinVar contains an entry for this variant (Variation ID: 3032272). For these reasons, this variant has been classified as Pathogenic.

PreventionGenetics, part of Exact Sciences
Classification: Pathogenic for ABCB4-related condition. Last evaluated: 2023-11-06. Review status: no assertion criteria provided. Collection method: clinical testing. Allele origin: germline. Not counted in ClinVar's aggregate classification.
Comment: The ABCB4 c.1371delG variant is predicted to result in a frameshift and premature protein termination (p.Gln458Argfs*8). This variant was reported in the heterozygous state (along with a second variant we interpret as benign) in an individual with low phospholipid associated cholelithiasis (Jirsa. 2014. PubMed ID: 24914347). This variant has not been reported in a large population database, indicating this variant is rare. Frameshift variants in ABCB4 are expected to be pathogenic. This variant is interpreted as pathogenic.

Literature cited by the submitters: PubMed 24914347 (cited by Genomenon, Inc and Labcorp Genetics (formerly Invitae), Labcorp); PubMed 17726488 (cited by Labcorp Genetics (formerly Invitae), Labcorp); PubMed 25755532 (cited by Labcorp Genetics (formerly Invitae), Labcorp).

NM_000443.4(ABCB4):c.1371del (p.Gln458fs)

Gene: ABCB4 (ATP binding cassette subfamily B member 4; minus strand). Cytogenetic location: 7q21.12.
Variant type: Deletion.
Coding change: c.1371del on transcript NM_000443.4 (MANE Select); coding-DNA position 1371, one base deleted (G; older notation c.1371delG).
Protein change: p.Gln458fs; shifts the reading frame from glutamine 458.
Molecular consequence: frameshift variant.
Genome position (GRCh38, 1-based): chr7:87,440,388, C deleted on the plus strand (G on the coding strand, the reverse complement: ABCB4 is on the minus strand); the first of 3 consecutive C bases (chr7:87,440,388-87,440,390); deleting any one gives the same sequence. VCF-style (leftmost placement, unchanged base first): chr7-87440387-GC-G. GRCh37 (hg19) VCF-style: chr7-87069703-GC-G.
Other names: c.1371del, p.Gln458fs (NM_018849.3, NM_018850.3); short protein forms Q458fs.
Identifiers: ClinVar variation 3032272 (VCV003032272.6), dbSNP rs2546830150, ClinGen allele CA2695208019.
Genomic context (GRCh38, chr7:87,440,387, plus strand): 5'-CCTGACTCACCACACCAATGATTTCCCTCAGATAGTTTACATTAAAGTTCCTAATATCCT[GC>G]CCATCAATGTTAATCTGAAAGAAAGAAATATTTCCTATTAAGTATTTAACCATTTAATAG-3'